The following is an entry in ClinVar:

NM_016532.4(INPP5K):c.478C>T (p.Arg160Trp)

Gene: INPP5K (inositol polyphosphate-5-phosphatase K; minus strand). Cytogenetic location: 17p13.3.
Variant type: single nucleotide variant.
Coding change: c.478C>T on transcript NM_016532.4 (MANE Select); coding-DNA position 478, C replaced by T.
Protein change: p.Arg160Trp; replaces arginine 160 with tryptophan.
Molecular consequence: missense variant.
Genome position (GRCh38, 1-based): chr17:1,509,254, G>A on the plus strand (C>T on the coding strand, the complement: INPP5K is on the minus strand). VCF-style: chr17-1509254-G-A. GRCh37 (hg19) VCF-style: chr17-1412548-G-A.
Other names: c.250C>T, p.Arg84Trp (NM_001135642.2, NM_130766.3); short protein forms R160W, R84W.
Identifiers: ClinVar variation 2647187 (VCV002647187.24), dbSNP rs759932878, ClinGen allele CA8268590.

ClinVar aggregate classification (germline): Uncertain significance (1 of 4 stars; one submission).

Allele frequency attached by ClinVar (database versions not stated): TOPMed 0.00002; gnomAD 0.00003.
gnomAD v4.1: 23 of 1,613,958 alleles (0.0014%); highest among the groups gnomAD compares: Non-Finnish European, 0.0018%; no homozygotes.

Submission:

CeGaT Center for Human Genetics Tuebingen
Classification: Uncertain significance. Last evaluated: 2022-07-01. Review status: criteria provided, single submitter. Criteria: CeGaT Center For Human Genetics Tuebingen Variant Classification Criteria Version 2. Collection method: clinical testing. Allele origin: germline. Affected: yes. Observed: 1 variant allele.
Comment: INPP5K: PM2